The following is an entry in ClinVar:

ClinVar aggregate classification (germline): Uncertain significance (1 of 4 stars; one submission).

Conditions:
CHARGE syndrome (CHARGE). Also called: Hittner Hirsch Kreh syndrome; CHARGE ASSOCIATION--COLOBOMA, HEART ANOMALY, CHOANAL ATRESIA, RETARDATION, GENITAL AND EAR ANOMALIES; Coloboma, heart anomaly, choanal atresia, retardation, genital and ear anomalies; CHARGE association; Hall-Hittner syndrome. Identifiers: Orphanet 138, MedGen C0265354, MONDO:0008965.

gnomAD v4.1: 7 of 1,613,994 alleles (0.00043%); highest among the groups gnomAD compares: Non-Finnish European, 0.00059%; no homozygotes.

Submission:

Clinical Genomics Laboratory, Washington University in St. Louis
Classification: Uncertain significance for CHD7-related CHARGE syndrome. Last evaluated: 2023-08-29. Review status: criteria provided, single submitter. Criteria: ACMG Guidelines, 2015. Collection method: clinical testing. Allele origin: germline.
Comment: The CHD7 c.7240G>A (p.Ala2414Thr) variant, to our knowledge, has not been reported in the medical literature and is absent from the general population (gnomAD v.2.1.1), indicating it is not a common variant. This variant changes a non-polar alanine to a polar threonine, occurs in a coiled-coil domain, but computational predictors suggest that the variant does not impact CHD7 function. Due to limited information, and based on ACMG/AMP guidelines for variant interpretation (Richards S et al., PMID: 25741868), the clinical significance of this variant is uncertain at this time.

NM_017780.4(CHD7):c.7240G>A (p.Ala2414Thr)

Gene: CHD7 (chromodomain helicase DNA binding protein 7; plus strand). Cytogenetic location: 8q12.2.
Variant type: single nucleotide variant.
Coding change: c.7240G>A on transcript NM_017780.4 (MANE Select); coding-DNA position 7240, G replaced by A.
Protein change: p.Ala2414Thr; replaces alanine 2414 with threonine.
Molecular consequence: missense variant. On other transcripts: intron variant (1).
Genome position (GRCh38, 1-based): chr8:60,856,520, G>A. VCF-style: chr8-60856520-G-A. GRCh37 (hg19) VCF-style: chr8-61769079-G-A.
Other names: c.1717-5709G>A (NM_001316690.1); short protein forms A2414T.
Identifiers: ClinVar variation 2672108 (VCV002672108.1), dbSNP rs772775834, ClinGen allele CA371300224.